The following is an entry in ClinVar:

NM_007294.4(BRCA1):c.3401_3405del (p.Glu1134fs)

Genes: BRCA1 (BRCA1 DNA repair associated; minus strand), LOC126862571 (BRD4-independent group 4 enhancer GRCh37_chr17:41243136-41244335; plus strand). Cytogenetic location: 17q21.31.
Variant type: Deletion.
Coding change: c.3401_3405del on transcript NM_007294.4 (MANE Select); coding-DNA positions 3401 to 3405, 5 bases deleted (AACAG; older notation c.3401_3405delAACAG).
Protein change: p.Glu1134fs; shifts the reading frame from glutamic acid 1134.
Molecular consequence: frameshift variant. On other transcripts: intron variant (135).
Genome position (GRCh38, 1-based): chr17:43,092,126-43,092,130, CTGTT deleted on the plus strand (AACAG on the coding strand, the reverse complement: BRCA1 is on the minus strand); deleting any 5 consecutive bases within chr17:43,092,126-43,092,132 gives the same sequence; the c. name uses the placement nearest the transcript's 3' end. VCF-style (leftmost placement, unchanged base first): chr17-43092125-GCTGTT-G. GRCh37 (hg19) VCF-style: chr17-41244142-GCTGTT-G.
Other names: c.3191_3195del, p.Glu1064fs (NM_001407908.1, NM_001407909.1, NM_001407910.1 and 13 more transcripts); c.3278_3282del, p.Glu1093fs (NM_001407919.1, NM_001407648.1, NM_001407664.1 and 19 more transcripts); c.3137_3141del, p.Glu1046fs (NM_001407920.1, NM_001407921.1, NM_001407922.1 and 9 more transcripts); c.3188_3192del, p.Glu1063fs (NM_001407916.1, NM_001407918.1, NM_001407915.1 and 9 more transcripts); c.3401_3405delAACAG (NM_007294.3); c.3401_3405del, p.Glu1134fs (NM_001407581.1, NM_001407582.1, NM_001407583.1 and 30 more transcripts); c.3398_3402del, p.Glu1133fs (NM_001407587.1, NM_001407590.1, NM_001407591.1 and 22 more transcripts); c.587-1098_587-1094del (NM_001408474.1, NM_001408476.1); and 42 more; short protein forms E1087fs, E1134fs, E1006fs, E1022fs, E1064fs, E1067fs, E1086fs, E966fs.
Identifiers: ClinVar variation 462609 (VCV000462609.10), dbSNP rs1555587781, ClinGen allele CA658656692.

ClinVar aggregate classification (germline): Pathogenic (1 of 4 stars; one submission).

Conditions:
Hereditary breast ovarian cancer syndrome. Also called: Hereditary breast and ovarian cancer syndrome (HBOC); Hereditary breast and ovarian cancer syndrome; Breast and ovarian cancer; Hereditary breast and/or ovarian cancer syndrome; Hereditary breast and ovarian cancer; BRCA1- and BRCA2-Associated Hereditary Breast and Ovarian Cancer. Identifiers: Orphanet 145, MedGen C0677776, MeSH D061325, MONDO:0003582. Disease mechanism: loss of function.

Submission:

Labcorp Genetics (formerly Invitae), Labcorp
Classification: Pathogenic for Hereditary breast ovarian cancer syndrome. Last evaluated: 2025-11-05. Review status: criteria provided, single submitter. Criteria: Invitae Variant Classification Sherloc (09022015). Collection method: clinical testing. Allele origin: germline.
Comment: This sequence change creates a premature translational stop signal (p.Glu1134Alafs*5) in the BRCA1 gene. It is expected to result in an absent or disrupted protein product. Loss-of-function variants in BRCA1 are known to be pathogenic (PMID: 20104584). This variant is not present in population databases (gnomAD no frequency). This variant has not been reported in the literature in individuals affected with BRCA1-related conditions. ClinVar contains an entry for this variant (Variation ID: 462609). For these reasons, this variant has been classified as Pathogenic.

Literature cited by the submitters: PubMed 20104584.